The following is an entry in ClinVar:

NM_198428.3(BBS9):c.1799G>T (p.Arg600Leu)

Gene: BBS9 (Bardet-Biedl syndrome 9; plus strand). Cytogenetic location: 7p14.3.
Variant type: single nucleotide variant.
Coding change: c.1799G>T on transcript NM_198428.3 (MANE Select); coding-DNA position 1799, G replaced by T.
Protein change: p.Arg600Leu; replaces arginine 600 with leucine.
Molecular consequence: missense variant. On other transcripts: non-coding transcript variant (3).
Genome position (GRCh38, 1-based): chr7:33,383,675, G>T. VCF-style: chr7-33383675-G-T. GRCh37 (hg19) VCF-style: chr7-33423287-G-T.
Other names: c.1694G>T, p.Arg565Leu (NM_001033604.2); c.1784G>T, p.Arg595Leu (NM_001033605.2); c.1799G>T, p.Arg600Leu (NM_001348036.1, NM_001348041.4, NM_001348043.3 and 3 more transcripts); c.1433G>T, p.Arg478Leu (NM_001348037.3, NM_001348045.3, NM_001348046.3); c.1526G>T, p.Arg509Leu (NM_001348038.3); c.1421G>T, p.Arg474Leu (NM_001348039.3); c.1679G>T, p.Arg560Leu (NM_001348040.3, NM_014451.4); c.1664G>T, p.Arg555Leu (NM_001348042.3); and 2 more; short protein forms R509L, R595L, R600L, R443L, R474L, R478L, R560L, R565L.
Identifiers: ClinVar variation 2152824 (VCV002152824.4), dbSNP rs749018243, ClinGen allele CA4214520.

ClinVar aggregate classification (germline): Uncertain significance. Review status: criteria provided, multiple submitters, no conflicts (2 of 4 stars). 2 submissions from 2 submitters: Uncertain significance (2). Last evaluated 2025-06-26.

Conditions:
Bardet-Biedl syndrome (BBS). Identifiers: Orphanet 110, MedGen C0752166, MONDO:0015229.
BBS9-related disorder. Also called: BBS9-related condition.

gnomAD v4.1: 10 of 1,605,780 alleles (0.00062%); highest among the groups gnomAD compares: Non-Finnish European, 0.00085%; no homozygotes.

Submissions (2):

PreventionGenetics, part of Exact Sciences
Classification: Uncertain significance for BBS9-related condition. Last evaluated: 2025-06-26. Review status: criteria provided, single submitter. Criteria: ACMG Guidelines, 2015. Collection method: clinical testing. Allele origin: germline.
Comment: The BBS9 c.1799G>T variant is predicted to result in the amino acid substitution p.Arg600Leu. To our knowledge, this variant has not been reported in the literature. This variant is reported in 0.0047% of alleles in individuals of European (Non-Finnish) descent in gnomAD. At this time, the clinical significance of this variant is uncertain due to the absence of conclusive functional and genetic evidence.

Labcorp Genetics (formerly Invitae), Labcorp
Classification: Uncertain significance for Bardet-Biedl syndrome. Last evaluated: 2022-07-13. Review status: criteria provided, single submitter. Criteria: Invitae Variant Classification Sherloc (09022015). Collection method: clinical testing. Allele origin: germline.
Comment: This sequence change replaces arginine, which is basic and polar, with leucine, which is neutral and non-polar, at codon 600 of the BBS9 protein (p.Arg600Leu). This variant is present in population databases (rs749018243, gnomAD 0.005%). This variant has not been reported in the literature in individuals affected with BBS9-related conditions. Algorithms developed to predict the effect of missense changes on protein structure and function are either unavailable or do not agree on the potential impact of this missense change (SIFT: "Deleterious"; PolyPhen-2: "Possibly Damaging"; Align-GVGD: "Class C0"). In summary, the available evidence is currently insufficient to determine the role of this variant in disease. Therefore, it has been classified as a Variant of Uncertain Significance.